The following is an entry in ClinVar:

NM_001042.3(SLC2A4):c.236C>G (p.Thr79Ser)

Gene: SLC2A4 (solute carrier family 2 member 4; plus strand). Cytogenetic location: 17p13.1.
Variant type: single nucleotide variant.
Coding change: c.236C>G on transcript NM_001042.3 (MANE Select); coding-DNA position 236, C replaced by G.
Protein change: p.Thr79Ser; replaces threonine 79 with serine.
Molecular consequence: missense variant.
Genome position (GRCh38, 1-based): chr17:7,283,558, C>G. VCF-style: chr17-7283558-C-G. GRCh37 (hg19) VCF-style: chr17-7186877-C-G.
Other names: short protein forms T79S.
Identifiers: ClinVar variation 2647323 (VCV002647323.24), dbSNP rs8192703, ClinGen allele CA8340645.

ClinVar aggregate classification (germline): Likely benign (1 of 4 stars; one submission).

Allele frequency attached by ClinVar (database versions not stated): 1000 Genomes Project 0.00080; 1000 Genomes Project 30x 0.00094; ExAC 0.00318; ESP Exome Variant Server 0.00346; gnomAD exomes 0.00436.
gnomAD v4.1: 6,865 of 1,614,106 alleles (0.43%); highest among the groups gnomAD compares: Non-Finnish European, 0.48%; 21 homozygotes.

Submission:

CeGaT Center for Human Genetics Tuebingen
Classification: Likely benign. Last evaluated: 2022-11-01. Review status: criteria provided, single submitter. Criteria: CeGaT Center For Human Genetics Tuebingen Variant Classification Criteria Version 2. Collection method: clinical testing. Allele origin: germline. Affected: yes. Observed: 2 variant alleles.
Comment: SLC2A4: BS2